The following is an entry in ClinVar:

ClinVar aggregate classification (germline): Uncertain significance (1 of 4 stars; one submission).

Conditions:
X-linked agammaglobulinemia with growth hormone deficiency (IGHD3). Also called: HYPOGAMMAGLOBULINEMIA AND ISOLATED GROWTH HORMONE DEFICIENCY, X-LINKED; IGHD III; ISOLATED GROWTH HORMONE DEFICIENCY, TYPE III, WITH AGAMMAGLOBULINEMIA; Isolated growth hormone deficiency type 3; Growth hormone deficiency with hypogammaglobulinemia; AGAMMAGLOBULINEMIA AND ISOLATED GROWTH HORMONE DEFICIENCY, X-LINKED. Identifiers: Orphanet 231692, Orphanet 631, MedGen C0472813, MONDO:0010615, OMIM 307200.

Submission:

Labcorp Genetics (formerly Invitae), Labcorp
Classification: Uncertain significance for X-linked agammaglobulinemia with growth hormone deficiency. Last evaluated: 2024-07-29. Review status: criteria provided, single submitter. Criteria: Invitae Variant Classification Sherloc (09022015). Collection method: clinical testing. Allele origin: germline.
Comment: This sequence change falls in intron 9 of the BTK gene. It does not directly change the encoded amino acid sequence of the BTK protein. It affects a nucleotide within the consensus splice site. This variant is not present in population databases (gnomAD no frequency). This variant has not been reported in the literature in individuals affected with BTK-related conditions. Variants that disrupt the consensus splice site are a relatively common cause of aberrant splicing (PMID: 17576681, 9536098). Algorithms developed to predict the effect of sequence changes on RNA splicing suggest that this variant may disrupt the consensus splice site. In summary, the available evidence is currently insufficient to determine the role of this variant in disease. Therefore, it has been classified as a Variant of Uncertain Significance.

Literature cited by the submitters: PubMed 17576681; PubMed 9536098.

NM_000061.3(BTK):c.840-3C>G

Gene: BTK (Bruton tyrosine kinase; minus strand). Cytogenetic location: Xq22.1.
Variant type: single nucleotide variant.
Coding change: c.840-3C>G on transcript NM_000061.3 (MANE Select); 3 bases into the intron before coding-DNA position 840, C replaced by G.
Molecular consequence: intron variant.
Genome position (GRCh38, 1-based): chrX:101,359,350, G>C on the plus strand (C>G on the coding strand, the complement: BTK is on the minus strand). VCF-style: chrX-101359350-G-C. GRCh37 (hg19) VCF-style: chrX-100614338-G-C.
Other names: c.942-3C>G (NM_001287344.2); c.840-3C>G (NM_001287345.2).
Identifiers: ClinVar variation 2828192 (VCV002828192.3), dbSNP rs2147431048, ClinGen allele CA2739273643.